The following is an entry in ClinVar:

NM_024408.4(NOTCH2):c.2222A>G (p.Tyr741Cys)

Gene: NOTCH2 (notch receptor 2; minus strand). Cytogenetic location: 1p12.
Variant type: single nucleotide variant.
Coding change: c.2222A>G on transcript NM_024408.4 (MANE Select); coding-DNA position 2222, A replaced by G.
Protein change: p.Tyr741Cys; replaces tyrosine 741 with cysteine.
Molecular consequence: missense variant.
Genome position (GRCh38, 1-based): chr1:119,953,686, T>C on the plus strand (A>G on the coding strand, the complement: NOTCH2 is on the minus strand). VCF-style: chr1-119953686-T-C. GRCh37 (hg19) VCF-style: chr1-120496309-T-C.
Other names: c.2222A>G, p.Tyr741Cys (NM_001200001.2); short protein forms Y741C.
Identifiers: ClinVar variation 2013417 (VCV002013417.4), dbSNP rs2526252769, ClinGen allele CA341865244.

ClinVar aggregate classification (germline): Uncertain significance (1 of 4 stars; one submission).

Conditions:
Hajdu-Cheney syndrome (HJCYS). Also called: ACROOSTEOLYSIS WITH OSTEOPOROSIS AND CHANGES IN SKULL AND MANDIBLE; SERPENTINE FIBULA-POLYCYSTIC KIDNEY SYNDROME; Acroosteolysis dominant type. Identifiers: Orphanet 955, MedGen C0917715, MONDO:0007057, OMIM 102500.

Allele frequency attached by ClinVar (database versions not stated): gnomAD exomes below 0.00001.
gnomAD v4.1: 1 of 1,614,110 alleles (0.000062%); highest among the groups gnomAD compares: Non-Finnish European, 0.000085%; no homozygotes.

Submission:

Labcorp Genetics (formerly Invitae), Labcorp
Classification: Uncertain significance for Hajdu-Cheney syndrome. Last evaluated: 2022-07-03. Review status: criteria provided, single submitter. Criteria: Invitae Variant Classification Sherloc (09022015). Collection method: clinical testing. Allele origin: germline.
Comment: In summary, the available evidence is currently insufficient to determine the role of this variant in disease. Therefore, it has been classified as a Variant of Uncertain Significance. Algorithms developed to predict the effect of missense changes on protein structure and function (SIFT, PolyPhen-2, Align-GVGD) all suggest that this variant is likely to be disruptive. This variant has not been reported in the literature in individuals affected with NOTCH2-related conditions. This variant is not present in population databases (gnomAD no frequency). This sequence change replaces tyrosine, which is neutral and polar, with cysteine, which is neutral and slightly polar, at codon 741 of the NOTCH2 protein (p.Tyr741Cys).